The following is an entry in ClinVar:

ClinVar aggregate classification (germline): Likely benign. Review status: criteria provided, multiple submitters, no conflicts (2 of 4 stars). 3 submissions from 3 submitters: Likely benign (3). Last evaluated 2025-10-06.

Conditions:
CDHR1-related disorder. Also called: CDHR1-related condition.

Allele frequency attached by ClinVar (database versions not stated): gnomAD 0.00009; ESP Exome Variant Server 0.00015; gnomAD exomes 0.00001 and 0.00004; ExAC 0.00002; TOPMed 0.00008.
gnomAD v4.1: 32 of 1,614,030 alleles (0.002%); highest among the groups gnomAD compares: African/African-American, 0.037%; no homozygotes.

Submissions (3):

Labcorp Genetics (formerly Invitae), Labcorp
Classification: Likely benign. Last evaluated: 2025-10-06. Review status: criteria provided, single submitter. Criteria: Invitae Variant Classification Sherloc (09022015). Collection method: clinical testing. Allele origin: germline.

PreventionGenetics, part of Exact Sciences
Classification: Likely benign for CDHR1-related condition. Last evaluated: 2024-11-09. Review status: criteria provided, single submitter. Criteria: ACMG Guidelines, 2015. Collection method: clinical testing. Allele origin: germline.
Comment: This variant is classified as likely benign based on ACMG/AMP sequence variant interpretation guidelines (Richards et al. 2015 PMID: 25741868, with internal and published modifications).

Blueprint Genetics
Classification: Likely benign. Last evaluated: 2021-04-06. Review status: criteria provided, single submitter. Criteria: ACMG Guidelines, 2015. Collection method: clinical testing. Allele origin: germline.

NM_033100.4(CDHR1):c.2118C>T (p.Ala706=)

Gene: CDHR1 (cadherin related family member 1; plus strand). Cytogenetic location: 10q23.1.
Variant type: single nucleotide variant.
Coding change: c.2118C>T on transcript NM_033100.4 (MANE Select); coding-DNA position 2118, C replaced by T.
Protein change: p.Ala706=; no amino-acid change (alanine 706 retained).
Molecular consequence: synonymous variant. On other transcripts: intron variant (1).
Genome position (GRCh38, 1-based): chr10:84,214,159, C>T. VCF-style: chr10-84214159-C-T. GRCh37 (hg19) VCF-style: chr10-85973915-C-T.
Other names: c.2118C>T (NM_033100.3); c.2040+811C>T (NM_001171971.3).
Identifiers: ClinVar variation 1145861 (VCV001145861.11), dbSNP rs144898105, ClinGen allele CA5580150.